The following is an entry in ClinVar:

NM_003748.4(ALDH4A1):c.874A>C (p.Lys292Gln)

Gene: ALDH4A1 (aldehyde dehydrogenase 4 family member A1; minus strand). Cytogenetic location: 1p36.13.
Variant type: single nucleotide variant.
Coding change: c.874A>C on transcript NM_003748.4 (MANE Select); coding-DNA position 874, A replaced by C.
Protein change: p.Lys292Gln; replaces lysine 292 with glutamine.
Molecular consequence: missense variant.
Genome position (GRCh38, 1-based): chr1:18,879,366, T>G on the plus strand (A>C on the coding strand, the complement: ALDH4A1 is on the minus strand). VCF-style: chr1-18879366-T-G. GRCh37 (hg19) VCF-style: chr1-19205860-T-G.
Other names: c.694A>C, p.Lys232Gln (NM_001161504.2); c.874A>C, p.Lys292Gln (NM_001319218.2, NM_170726.3); short protein forms K292Q, K232Q.
Identifiers: ClinVar variation 1028653 (VCV001028653.1), dbSNP rs746880995, ClinGen allele CA647168.

ClinVar aggregate classification (germline): Uncertain significance (1 of 4 stars; one submission).

Conditions:
Hyperprolinemia type 2 (HYRPRO2). Also called: Deficiency of pyrroline-5-carboxylate reductase; Delta-1-pyrroline-5-carboxylate dehydrogenase deficiency; 1-PYRROLINE-5-CARBOXYLATE DEHYDROGENASE DEFICIENCY. Identifiers: Orphanet 79101, MedGen C2931835, MONDO:0009401, OMIM 239510.

Allele frequency attached by ClinVar (database versions not stated): gnomAD 0.00001; gnomAD exomes 0.00001; ExAC 0.00002; TOPMed 0.00002.
gnomAD v4.1: 56 of 1,610,686 alleles (0.0035%); highest among the groups gnomAD compares: Non-Finnish European, 0.0042%; no homozygotes.

Submission:

Baylor Genetics
Classification: Uncertain significance for Hyperprolinemia type 2. Last evaluated: 2019-02-01. Review status: criteria provided, single submitter. Criteria: ACMG Guidelines, 2015. Collection method: clinical testing. Allele origin: paternal. Affected: yes.
Comment: This variant was determined to be of uncertain significance according to ACMG Guidelines, 2015 [PMID:25741868].